The following is an entry in ClinVar:

ClinVar aggregate classification (germline): Pathogenic (1 of 4 stars; one submission).

Allele frequency attached by ClinVar (database versions not stated): gnomAD exomes below 0.00001.

Submission:

Labcorp Genetics (formerly Invitae), Labcorp
Classification: Pathogenic. Last evaluated: 2023-11-05. Review status: criteria provided, single submitter. Criteria: Invitae Variant Classification Sherloc (09022015). Collection method: clinical testing. Allele origin: germline.
Comment: This sequence change creates a premature translational stop signal (p.Trp518*) in the HPS6 gene. While this is not anticipated to result in nonsense mediated decay, it is expected to disrupt the last 258 amino acid(s) of the HPS6 protein. This variant is not present in population databases (gnomAD no frequency). This variant has not been reported in the literature in individuals affected with HPS6-related conditions. This variant disrupts a region of the HPS6 protein in which other variant(s) (p.Gln680*) have been determined to be pathogenic (PMID: 27225848, 29054114, 31141302). This suggests that this is a clinically significant region of the protein, and that variants that disrupt it are likely to be disease-causing. For these reasons, this variant has been classified as Pathogenic.

Literature cited by the submitters: PubMed 27225848; PubMed 29054114; PubMed 31141302.

NM_024747.6(HPS6):c.1553G>A (p.Trp518Ter)

Gene: HPS6 (HPS6 biogenesis of lysosomal organelles complex 2 subunit 3; plus strand). Cytogenetic location: 10q24.32.
Variant type: single nucleotide variant.
Coding change: c.1553G>A on transcript NM_024747.6 (MANE Select); coding-DNA position 1553, G replaced by A.
Protein change: p.Trp518Ter; replaces tryptophan 518 with a stop codon.
Molecular consequence: nonsense.
Genome position (GRCh38, 1-based): chr10:102,067,027, G>A. VCF-style: chr10-102067027-G-A. GRCh37 (hg19) VCF-style: chr10-103826784-G-A.
Other names: short protein forms W518*.
Identifiers: ClinVar variation 2845408 (VCV002845408.3), dbSNP rs2540988143, ClinGen allele CA377869009.